The following is an entry in ClinVar:

ClinVar aggregate classification (germline): Uncertain significance (1 of 4 stars; one submission).

Submission:

Labcorp Genetics (formerly Invitae), Labcorp
Classification: Uncertain significance. Last evaluated: 2024-10-08. Review status: criteria provided, single submitter. Criteria: Invitae Variant Classification Sherloc (09022015). Collection method: clinical testing. Allele origin: germline.
Comment: This sequence change creates a premature translational stop signal (p.His559Argfs*31) in the DTHD1 gene. While this is not anticipated to result in nonsense mediated decay, it is expected to disrupt the last 58 amino acid(s) of the DTHD1 protein. This variant is not present in population databases (gnomAD no frequency). This variant has not been reported in the literature in individuals affected with DTHD1-related conditions. Experimental studies and prediction algorithms are not available or were not evaluated, and the functional significance of this variant is currently unknown. In summary, the available evidence is currently insufficient to determine the role of this variant in disease. Therefore, it has been classified as a Variant of Uncertain Significance.

NM_001170700.3(DTHD1):c.2546_2547del (p.His849fs)

Gene: DTHD1 (death domain containing 1; plus strand). Cytogenetic location: 4p14.
Variant type: Deletion.
Coding change: c.2546_2547del on transcript NM_001170700.3 (MANE Select); coding-DNA positions 2546 to 2547, 2 bases deleted (AC; older notation c.2546_2547delAC).
Protein change: p.His849fs; shifts the reading frame from histidine 849.
Molecular consequence: frameshift variant. On other transcripts: non-coding transcript variant (2).
Genome position (GRCh38, 1-based): chr4:36,343,649-36,343,650, AC deleted; deleting any 2 consecutive bases within chr4:36,343,648-36,343,650 gives the same sequence; the c. name uses the placement nearest the transcript's 3' end. VCF-style (leftmost placement, unchanged base first): chr4-36343647-CCA-C. GRCh37 (hg19) VCF-style: chr4-36345269-CCA-C.
Other names: c.1676_1677del, p.His559fs (NM_001136536.5); c.1555_1556del, p.Thr519fs (NM_001378435.1); short protein forms H559fs, T519fs, H849fs.
Identifiers: ClinVar variation 3722437 (VCV003722437.2).